The following is an entry in ClinVar:

NM_080680.3(COL11A2):c.1917+70G>T

Gene: COL11A2 (collagen type XI alpha 2 chain; minus strand). Cytogenetic location: 6p21.32.
Variant type: single nucleotide variant.
Coding change: c.1917+70G>T on transcript NM_080680.3 (MANE Select); 70 bases into the intron after coding-DNA position 1917, G replaced by T.
Molecular consequence: intron variant.
Genome position (GRCh38, 1-based): chr6:33,177,592, C>A on the plus strand (G>T on the coding strand, the complement: COL11A2 is on the minus strand). VCF-style: chr6-33177592-C-A. GRCh37 (hg19) VCF-style: chr6-33145369-C-A.
Other names: c.1596+70G>T (NM_080679.3); c.1659+70G>T (NM_080681.3).
Identifiers: ClinVar variation 674972 (VCV000674972.1), dbSNP rs2076311, ClinGen allele CA12189112.
Genomic context (GRCh38, chr6:33,177,592, plus strand): 5'-TGAGTCCCAGCAGCGATAGCCAAGAAGGCAAGAGCAGGAAGCAGGCAGGGGTCAAAATGG[C>A]GGCCAACAGGATGCTGGCAGGGACCTCGGGGGATAAGAATGGGGGTGGGATCTCCTATCC-3'

ClinVar aggregate classification (germline): Benign (1 of 4 stars; one submission).

Allele frequency attached by ClinVar (database versions not stated): gnomAD 0.31466 and 0.31477; TOPMed 0.31755; 1000 Genomes Project 0.32228; 1000 Genomes Project 30x 0.32558.
gnomAD v4.1: 496,887 of 1,595,442 alleles (31%); highest among the groups gnomAD compares: South Asian, 39%; 79,181 homozygotes.

Submission:

GeneDx
Classification: Benign. Last evaluated: 2018-06-13. Review status: criteria provided, single submitter. Criteria: GeneDx Variant Classification (06012015). Collection method: clinical testing. Allele origin: germline. Affected: yes.
Comment: This variant is considered likely benign or benign based on one or more of the following criteria: it is a conservative change, it occurs at a poorly conserved position in the protein, it is predicted to be benign by multiple in silico algorithms, and/or has population frequency not consistent with disease.